The following is an entry in ClinVar:

ClinVar aggregate classification (germline): Pathogenic (1 of 4 stars; one submission).

Conditions:
Methylmalonic aciduria, cblA type (MACA). Also called: Methylmalonic aciduria, vitamin B12-responsive; Vitamin B12-responsive methylmalonic acidemia type cblA; Methylmalonic aciduria, vitamin b12-responsive, due to defect in synthesis of adenosylcobalamin, cbla complementation type; MMA cbl A type; Methylmalonic acidemia cblA type. Identifiers: Orphanet 28, Orphanet 79310, MedGen C1855109, MONDO:0009613, OMIM 251100.

Submission:

Labcorp Genetics (formerly Invitae), Labcorp
Classification: Pathogenic for Methylmalonic aciduria, cblA type. Last evaluated: 2024-11-07. Review status: criteria provided, single submitter. Criteria: Invitae Variant Classification Sherloc (09022015). Collection method: clinical testing. Allele origin: germline.
Comment: This sequence change creates a premature translational stop signal (p.Glu117*) in the MMAA gene. It is expected to result in an absent or disrupted protein product. Loss-of-function variants in MMAA are known to be pathogenic (PMID: 15523652, 15781192). This variant is not present in population databases (gnomAD no frequency). This premature translational stop signal has been observed in individual(s) with methylmalonic acidemias (PMID: 26270765). For these reasons, this variant has been classified as Pathogenic.

Literature cited by the submitters: PubMed 15523652; PubMed 15781192; PubMed 26270765.

NM_172250.3(MMAA):c.349G>T (p.Glu117Ter)

Gene: MMAA (metabolism of cobalamin associated A; plus strand). Cytogenetic location: 4q31.21.
Variant type: single nucleotide variant.
Coding change: c.349G>T on transcript NM_172250.3 (MANE Select); coding-DNA position 349, G replaced by T.
Protein change: p.Glu117Ter; replaces glutamic acid 117 with a stop codon.
Molecular consequence: nonsense.
Genome position (GRCh38, 1-based): chr4:145,639,488, G>T. VCF-style: chr4-145639488-G-T. GRCh37 (hg19) VCF-style: chr4-146560640-G-T.
Other names: c.349G>T, p.Glu117Ter (NM_001375644.1); short protein forms E117*.
Identifiers: ClinVar variation 3720592 (VCV003720592.2).